The following is an entry in ClinVar:

ClinVar aggregate classification (germline): Uncertain significance (1 of 4 stars; one submission).

Submission:

Labcorp Genetics (formerly Invitae), Labcorp
Classification: Uncertain significance. Last evaluated: 2023-10-26. Review status: criteria provided, single submitter. Criteria: Invitae Variant Classification Sherloc (09022015). Collection method: clinical testing. Allele origin: germline.
Comment: This sequence change replaces isoleucine, which is neutral and non-polar, with valine, which is neutral and non-polar, at codon 455 of the C5 protein (p.Ile455Val). This variant is not present in population databases (gnomAD no frequency). This variant has not been reported in the literature in individuals affected with C5-related conditions. ClinVar contains an entry for this variant (Variation ID: 2124206). Advanced modeling of protein sequence and biophysical properties (such as structural, functional, and spatial information, amino acid conservation, physicochemical variation, residue mobility, and thermodynamic stability) performed at Invitae indicates that this missense variant is not expected to disrupt C5 protein function with a negative predictive value of 80%. In summary, the available evidence is currently insufficient to determine the role of this variant in disease. Therefore, it has been classified as a Variant of Uncertain Significance.

NM_001735.3(C5):c.1363A>G (p.Ile455Val)

Gene: C5 (complement C5; minus strand). Cytogenetic location: 9q33.2.
Variant type: single nucleotide variant.
Coding change: c.1363A>G on transcript NM_001735.3 (MANE Select); coding-DNA position 1363, A replaced by G.
Protein change: p.Ile455Val; replaces isoleucine 455 with valine.
Molecular consequence: missense variant.
Genome position (GRCh38, 1-based): chr9:121,020,119, T>C on the plus strand (A>G on the coding strand, the complement: C5 is on the minus strand). VCF-style: chr9-121020119-T-C. GRCh37 (hg19) VCF-style: chr9-123782397-T-C.
Other names: c.1381A>G, p.Ile461Val (NM_001317163.2); c.1363A>G, p.Ile455Val (NM_001317164.2); short protein forms I461V, I455V.
Identifiers: ClinVar variation 2124206 (VCV002124206.4), dbSNP rs2540432966, ClinGen allele CA374751429.